The following is an entry in ClinVar:

NM_001035.3(RYR2):c.9312G>A (p.Met3104Ile)

Gene: RYR2 (ryanodine receptor 2; plus strand). Cytogenetic location: 1q43.
Variant type: single nucleotide variant.
Coding change: c.9312G>A on transcript NM_001035.3 (MANE Select); coding-DNA position 9312, G replaced by A.
Protein change: p.Met3104Ile; replaces methionine 3104 with isoleucine.
Molecular consequence: missense variant.
Genome position (GRCh38, 1-based): chr1:237,700,412, G>A. VCF-style: chr1-237700412-G-A. GRCh37 (hg19) VCF-style: chr1-237863712-G-A.
Other names: short protein forms M3104I.
Identifiers: ClinVar variation 1171779 (VCV001171779.3), dbSNP rs1687864137, ClinGen allele CA345406146.
Genomic context (GRCh38, chr1:237,700,412, plus strand): 5'-AAACCAGCCCAAAGGGGTTACTCAGATTATCAATTACACCACAGTGGCCCTGCTGCCAAT[G>A]CTGTCTTCATTATTTGAACATATTGGCCAGCATCAGTTCGGAGAAGACCTAATATGTATG-3'
Protein context (NP_001026.2, residues 3094-3114): INYTTVALLP[Met3104Ile]LSSLFEHIGQ

ClinVar aggregate classification (germline): Uncertain significance (1 of 4 stars; one submission).

Conditions:
Cardiomyopathy (CMYO). Also called: Cardiomyopathies. Identifiers: Orphanet 167848, MedGen C0878544, MONDO:0004994, HP:0001638. Inheritance: Various modes of inheritance.

Submission:

Color Diagnostics, LLC DBA Color Health
Classification: Uncertain significance for Cardiomyopathy. Last evaluated: 2024-03-06. Review status: criteria provided, single submitter. Criteria: ACMG Guidelines, 2015. Collection method: clinical testing. Allele origin: germline.
Comment: This missense variant replaces methionine with isoleucine at codon 3104 of the RYR2 protein. Computational prediction suggests that this variant may not impact protein structure and function (internally defined REVEL score threshold <= 0.5, PMID: 27666373). To our knowledge, functional studies have not been reported for this variant. This variant has not been reported in individuals affected with cardiovascular disorders in the literature. This variant has not been identified in the general population by the Genome Aggregation Database (gnomAD). The available evidence is insufficient to determine the role of this variant in disease conclusively. Therefore, this variant is classified as a Variant of Uncertain Significance.